The following is an entry in ClinVar:

NM_138694.4(PKHD1):c.2637G>A (p.Thr879=)

Gene: PKHD1 (PKHD1 ciliary IPT domain containing fibrocystin/polyductin; minus strand). Cytogenetic location: 6p12.2.
Variant type: single nucleotide variant.
Coding change: c.2637G>A on transcript NM_138694.4 (MANE Select); coding-DNA position 2637, G replaced by A.
Protein change: p.Thr879=; no amino-acid change (threonine 879 retained).
Molecular consequence: synonymous variant.
Genome position (GRCh38, 1-based): chr6:52,045,044, C>T on the plus strand (G>A on the coding strand, the complement: PKHD1 is on the minus strand). VCF-style: chr6-52045044-C-T. GRCh37 (hg19) VCF-style: chr6-51909842-C-T.
Other names: c.2637G>A, p.Thr879= (NM_170724.3).
Identifiers: ClinVar variation 289979 (VCV000289979.17), dbSNP rs147915980, ClinGen allele CA3853155.

ClinVar aggregate classification (germline): Conflicting classifications of pathogenicity. Review status: criteria provided, conflicting classifications (1 of 4 stars). 3 submissions from 3 submitters: Uncertain significance (1); Likely benign (1). 1 of the submissions does not count toward it. Last evaluated 2026-01-31.

Conditions:
PKHD1-related disorder. Also called: PKHD1-related condition.
Autosomal recessive polycystic kidney disease (ARPKD). Also called: AR polycystic kidney disease. Identifiers: Orphanet 731, Orphanet 8378, MedGen C0085548, MeSH D017044, MONDO:0009889.

Allele frequency attached by ClinVar (database versions not stated): gnomAD exomes 0.00002 and 0.00004; ExAC 0.00004; gnomAD 0.00013 and 0.00014; ESP Exome Variant Server 0.00015; 1000 Genomes Project 30x 0.00016; TOPMed 0.00016; 1000 Genomes Project 0.00020.
gnomAD v4.1: 49 of 1,612,924 alleles (0.003%); highest among the groups gnomAD compares: African/African-American, 0.052%; no homozygotes.

Submissions (3):

Labcorp Genetics (formerly Invitae), Labcorp
Classification: Likely benign for Autosomal recessive polycystic kidney disease. Last evaluated: 2026-01-31. Review status: criteria provided, single submitter. Criteria: Invitae Variant Classification Sherloc (09022015). Collection method: clinical testing. Allele origin: germline.

Eurofins Ntd Llc (ga)
Classification: Uncertain significance. Last evaluated: 2017-11-08. Review status: criteria provided, single submitter. Criteria: EGL Classification Definitions 2015. Collection method: clinical testing. Allele origin: germline. Observed: 2 variant alleles, 2 heterozygotes.

PreventionGenetics, part of Exact Sciences
Classification: Likely benign for PKHD1-related condition. Last evaluated: 2021-03-29. Review status: no assertion criteria provided. Collection method: clinical testing. Allele origin: germline. Not counted in ClinVar's aggregate classification.
Comment: This variant is classified as likely benign based on ACMG/AMP sequence variant interpretation guidelines (Richards et al. 2015 PMID: 25741868, with internal and published modifications).